The following is an entry in ClinVar:

ClinVar aggregate classification (germline): Benign/Likely benign. Review status: criteria provided, multiple submitters, no conflicts (2 of 4 stars). 5 submissions from 5 submitters: Benign (3); Likely benign (1). 1 of the submissions does not count toward it. Last evaluated 2026-01-24.

Conditions:
Squamous cell lung carcinoma. Also called: Lung cancer, squamous cell, somatic; Squamous cell carcinoma of lung. Identifiers: MedGen C0149782, MONDO:0005097, HP:0030359.

Allele frequency attached by ClinVar (database versions not stated): 1000 Genomes Project 30x 0.00406; 1000 Genomes Project 0.00459; ESP Exome Variant Server 0.00492; TOPMed 0.00558; gnomAD 0.00763 and 0.00789; gnomAD exomes 0.00825 and 0.00834; ExAC 0.01212.
gnomAD v4.1: 13,036 of 1,583,506 alleles (0.82%); highest among the groups gnomAD compares: Non-Finnish European, 0.83%; 77 homozygotes.

Submissions (5):

Labcorp Genetics (formerly Invitae), Labcorp
Classification: Benign. Last evaluated: 2026-01-24. Review status: criteria provided, single submitter. Criteria: Invitae Variant Classification Sherloc (09022015). Collection method: clinical testing. Allele origin: germline.

ARUP Laboratories, Molecular Genetics and Genomics, ARUP Laboratories
Classification: Benign. Last evaluated: 2024-01-18. Review status: criteria provided, single submitter. Criteria: ARUP Molecular Germline Variant Investigation Process 2024. Collection method: clinical testing. Allele origin: germline.

GeneDx
Classification: Likely benign. Last evaluated: 2020-09-01. Review status: criteria provided, single submitter. Criteria: GeneDx Variant Classification Process June 2021. Collection method: clinical testing. Allele origin: germline. Affected: yes.
Comment: See Variant Classification Assertion Criteria.

Breakthrough Genomics
Classification: Benign. Review status: criteria provided, single submitter. Criteria: ACMG Guidelines, 2015. Collection method: not provided. Allele origin: germline. Inheritance: Autosomal recessive inheritance. Affected: yes.

Faculté Pluridciplinaire Nador, Université Mohamed Premier
Classification: Uncertain significance for Squamous Cell Lung Carcinoma. Last evaluated: 2020-05-05. Review status: no assertion criteria provided. Collection method: clinical testing, in vivo. Allele origin: somatic. Affected: yes. Observed: 1 variant allele. Not counted in ClinVar's aggregate classification.

Literature cited by the submitters: DOI 10.3389/fonc.2020.01215 (cited by Faculté Pluridciplinaire Nador, Université Mohamed Premier).

NM_006182.4(DDR2):c.1505-19G>A

Gene: DDR2 (discoidin domain receptor tyrosine kinase 2; plus strand). Cytogenetic location: 1q23.3.
Variant type: single nucleotide variant.
Coding change: c.1505-19G>A on transcript NM_006182.4 (MANE Select); 19 bases into the intron before coding-DNA position 1505, G replaced by A.
Molecular consequence: intron variant.
Genome position (GRCh38, 1-based): chr1:162,772,005, G>A. VCF-style: chr1-162772005-G-A. GRCh37 (hg19) VCF-style: chr1-162741795-G-A.
Other names: c.1505-19G>A (NM_001354983.2, NM_001354982.2, NM_001014796.3).
Identifiers: ClinVar variation 873167 (VCV000873167.20), dbSNP rs143729297, ClinGen allele CA1217573.